The following is an entry in ClinVar:

ClinVar aggregate classification (germline): Uncertain significance (1 of 4 stars; one submission).

Conditions:
Craniofacial microsomia 1 (CFM1). Also called: Hemifacial microsomia. Identifiers: Orphanet 374, MedGen C3495417, MONDO:0958175, OMIM 164210.

Submission:

Dasa
Classification: Uncertain significance for Craniofacial microsomia 1. Last evaluated: 2025-01-29. Review status: criteria provided, single submitter. Criteria: DASA Assertion Criteria. Collection method: clinical testing. Allele origin: germline.
Comment: NM_006842.3(SF3B2):c.181-48G>A is an intronic variant. This variant is absent from population databases. The currently available literature and clinical evidence are not sufficient to establish a definitive association between this variant and the reported condition. Therefore, this variant is classified as a variant of uncertain significance.

NM_006842.3(SF3B2):c.181-48G>A

Gene: SF3B2 (splicing factor 3b subunit 2; plus strand). Cytogenetic location: 11q13.1.
Variant type: single nucleotide variant.
Coding change: c.181-48G>A on transcript NM_006842.3 (MANE Select); 48 bases into the intron before coding-DNA position 181, G replaced by A.
Molecular consequence: intron variant.
Genome position (GRCh38, 1-based): chr11:66,052,979, G>A. VCF-style: chr11-66052979-G-A. GRCh37 (hg19) VCF-style: chr11-65820450-G-A.
Identifiers: ClinVar variation 4882719 (VCV004882719.2).